The following is an entry in ClinVar:

ClinVar aggregate classification (germline): Uncertain significance (1 of 4 stars; one submission).

Conditions:
Hereditary cancer-predisposing syndrome. Also called: Tumor predisposition; Neoplastic Syndromes, Hereditary; Hereditary neoplastic syndrome; Hereditary Cancer Syndrome. Identifiers: Orphanet 140162, MedGen C0027672, MeSH D009386, MONDO:0015356.

Submission:

Ambry Genetics
Classification: Uncertain significance for Hereditary cancer-predisposing syndrome. Last evaluated: 2025-08-27. Review status: criteria provided, single submitter. Criteria: Ambry Variant Classification Scheme 2023. Collection method: clinical testing. Allele origin: germline.
Comment: The p.P522R variant (also known as c.1565C>G), located in coding exon 16 of the MUTYH gene, results from a C to G substitution at nucleotide position 1565. The proline at codon 522 is replaced by arginine, an amino acid with dissimilar properties. This amino acid position is conserved. In addition, this alteration is predicted to be tolerated by in silico analysis. Based on the available evidence, the clinical significance of this variant remains unclear.

NM_001048174.2(MUTYH):c.1481C>G (p.Pro494Arg)

Gene: MUTYH (mutY DNA glycosylase; minus strand). Cytogenetic location: 1p34.1.
Variant type: single nucleotide variant.
Coding change: c.1481C>G on transcript NM_001048174.2 (MANE Select); coding-DNA position 1481, C replaced by G.
Protein change: p.Pro494Arg; replaces proline 494 with arginine.
Molecular consequence: missense variant. On other transcripts: non-coding transcript variant (7).
Genome position (GRCh38, 1-based): chr1:45,329,391, G>C on the plus strand (C>G on the coding strand, the complement: MUTYH is on the minus strand). VCF-style: chr1-45329391-G-C. GRCh37 (hg19) VCF-style: chr1-45795063-G-C.
Other names: c.1514C>G, p.Pro505Arg (NM_001407077.1, NM_001293191.2, NM_001407069.1); c.1484C>G, p.Pro495Arg (NM_001407078.1, NM_001407086.1, NM_001048172.2 and 1 more transcripts); c.1442C>G, p.Pro481Arg (NM_001407079.1); c.1439C>G, p.Pro480Arg (NM_001407080.1); c.1481C>G, p.Pro494Arg (NM_001407081.1, NM_001407088.1, NM_001407089.1 and 6 more transcripts); c.1136C>G, p.Pro379Arg (NM_001407082.1, NM_001350650.2, NM_001350651.2); c.1523C>G, p.Pro508Arg (NM_001407083.1, NM_001407085.1); c.1502C>G, p.Pro501Arg (NM_001407087.1); and 5 more; short protein forms P501R, P379R, P402R, P481R, P505R, P509R, P519R, P466R.
Identifiers: ClinVar variation 4113373 (VCV004113373.1).